The following is an entry in ClinVar:

ClinVar aggregate classification (germline): Uncertain significance. Review status: criteria provided, multiple submitters, no conflicts (2 of 4 stars). 4 submissions from 4 submitters: Uncertain significance (4). Last evaluated 2025-09-12.

Conditions:
RYR1-related disorder. Also called: RYR1-related condition; RYR1-related disorders. Identifiers: MedGen CN239331.
Malignant hyperthermia, susceptibility to, 1 (MHS1). Also called: Anesthesia related hyperthermia; Malignant hyperpyrexia; Fulminating hyperpyrexia; Pharmacogenic myopathy; RYR1-Related Malignant Hyperthermia Susceptibility; Malignant hyperthermia suceptibility 1. Identifiers: Orphanet 423, MedGen C2930980, MONDO:0007783, OMIM 145600.

Allele frequency attached by ClinVar (database versions not stated): gnomAD exomes below 0.00001; gnomAD 0.00001.
gnomAD v4.1: 7 of 1,613,378 alleles (0.00043%); highest among the groups gnomAD compares: Non-Finnish European, 0.00059%; no homozygotes.

Submissions (4):

Color Diagnostics, LLC DBA Color Health
Classification: Uncertain significance for Malignant hyperthermia, susceptibility to, 1. Last evaluated: 2025-09-12. Review status: criteria provided, single submitter. Criteria: ACMG Guidelines, 2015. Collection method: clinical testing. Allele origin: germline.
Comment: This missense variant replaces alanine with valine at codon 4185 of the RYR1 protein. Computational prediction suggests that this variant may not impact protein structure and function. To our knowledge, functional studies have not been reported for this variant. This variant has not been reported in individuals affected with RYR1-related disorders in the literature. This variant has been identified in 3/249940 chromosomes in the general population by the Genome Aggregation Database (gnomAD). The available evidence is insufficient to determine the role of this variant in disease conclusively. Therefore, this variant is classified as a Variant of Uncertain Significance.

All of Us Research Program, National Institutes of Health
Classification: Uncertain significance for Malignant hyperthermia, susceptibility to, 1. Last evaluated: 2023-02-24. Review status: criteria provided, single submitter. Criteria: ACMG Guidelines, 2015. Collection method: clinical testing. Allele origin: germline. Inheritance: Autosomal dominant inheritance. Observed: 1 variant allele, 1 heterozygote.
Comment: This study involves interpretation of variants in research participants for the purpose of population health screening. Participant phenotype was not available at the time of variant classification. Additional details can be found in publication PMID: 35346344, PMCID: PMC8962531

Labcorp Genetics (formerly Invitae), Labcorp
Classification: Uncertain significance for RYR1-related disorder. Last evaluated: 2022-10-30. Review status: criteria provided, single submitter. Criteria: Invitae Variant Classification Sherloc (09022015). Collection method: clinical testing. Allele origin: germline.
Comment: This sequence change replaces alanine, which is neutral and non-polar, with valine, which is neutral and non-polar, at codon 4185 of the RYR1 protein (p.Ala4185Val). This variant is present in population databases (rs764029140, gnomAD 0.002%). This variant has not been reported in the literature in individuals affected with RYR1-related conditions. ClinVar contains an entry for this variant (Variation ID: 1476403). Advanced modeling of protein sequence and biophysical properties (such as structural, functional, and spatial information, amino acid conservation, physicochemical variation, residue mobility, and thermodynamic stability) has been performed at Invitae for this missense variant, however the output from this modeling did not meet the statistical confidence thresholds required to predict the impact of this variant on RYR1 protein function. In summary, the available evidence is currently insufficient to determine the role of this variant in disease. Therefore, it has been classified as a Variant of Uncertain Significance.

Revvity Omics, Revvity
Classification: Uncertain significance. Last evaluated: 2019-05-29. Review status: criteria provided, single submitter. Criteria: ACMG Guidelines, 2015. Collection method: clinical testing. Allele origin: germline.

NM_000540.3(RYR1):c.12554C>T (p.Ala4185Val)

Gene: RYR1 (ryanodine receptor 1; plus strand). Cytogenetic location: 19q13.2.
Variant type: single nucleotide variant.
Coding change: c.12554C>T on transcript NM_000540.3 (MANE Select); coding-DNA position 12554, C replaced by T.
Protein change: p.Ala4185Val; replaces alanine 4185 with valine.
Molecular consequence: missense variant.
Genome position (GRCh38, 1-based): chr19:38,561,384, C>T. VCF-style: chr19-38561384-C-T. GRCh37 (hg19) VCF-style: chr19-39052024-C-T.
Other names: c.12539C>T, p.Ala4180Val (NM_001042723.2); short protein forms A4185V, A4180V.
Identifiers: ClinVar variation 1476403 (VCV001476403.8), dbSNP rs764029140, ClinGen allele CA059086.